The following is an entry in ClinVar:

ClinVar aggregate classification (germline): Pathogenic (1 of 4 stars; one submission).

Conditions:
Primary ciliary dyskinesia. Also called: Ciliary dyskinesia. Identifiers: Orphanet 244, MedGen C0008780, MONDO:0016575, HP:0012265.

Submission:

Labcorp Genetics (formerly Invitae), Labcorp
Classification: Pathogenic for Primary ciliary dyskinesia. Last evaluated: 2024-05-27. Review status: criteria provided, single submitter. Criteria: Invitae Variant Classification Sherloc (09022015). Collection method: clinical testing. Allele origin: germline.
Comment: This sequence change creates a premature translational stop signal (p.Gln4222*) in the DNAH5 gene. It is expected to result in an absent or disrupted protein product. Loss-of-function variants in DNAH5 are known to be pathogenic (PMID: 11788826, 16627867). This variant is not present in population databases (gnomAD no frequency). This variant has not been reported in the literature in individuals affected with DNAH5-related conditions. ClinVar contains an entry for this variant (Variation ID: 1457737). For these reasons, this variant has been classified as Pathogenic.

Literature cited by the submitters: PubMed 11788826; PubMed 16627867.

NM_001369.3(DNAH5):c.12664C>T (p.Gln4222Ter)

Gene: DNAH5 (dynein axonemal heavy chain 5; minus strand). Cytogenetic location: 5p15.2.
Variant type: single nucleotide variant.
Coding change: c.12664C>T on transcript NM_001369.3 (MANE Select); coding-DNA position 12664, C replaced by T.
Protein change: p.Gln4222Ter; replaces glutamine 4222 with a stop codon.
Molecular consequence: nonsense.
Genome position (GRCh38, 1-based): chr5:13,717,356, G>A on the plus strand (C>T on the coding strand, the complement: DNAH5 is on the minus strand). VCF-style: chr5-13717356-G-A. GRCh37 (hg19) VCF-style: chr5-13717465-G-A.
Other names: short protein forms Q4222*.
Identifiers: ClinVar variation 1457737 (VCV001457737.6), dbSNP rs2126508639, ClinGen allele CA359206531.
Genomic context (GRCh38, chr5:13,717,356, plus strand): 5'-GCAGCATGCGCGGCAGTACCTTTTTGACATCCATGTCATCCAAGTGGTTTTGGATGAACT[G>A]CACAGTGGCATTAAAGTCCGCTTGGTTAAATTCGTAGGGGATATTCCACCCCAGGGCACC-3'